The following is an entry in ClinVar:

ClinVar aggregate classification (germline): Pathogenic (1 of 4 stars; one submission).

Conditions:
RYR1-related disorder. Also called: RYR1-related condition; RYR1-related disorders. Identifiers: MedGen CN239331.

Submission:

Labcorp Genetics (formerly Invitae), Labcorp
Classification: Pathogenic for RYR1-related disorder. Last evaluated: 2021-02-08. Review status: criteria provided, single submitter. Criteria: Invitae Variant Classification Sherloc (09022015). Collection method: clinical testing. Allele origin: germline.
Comment: For these reasons, this variant has been classified as Pathogenic. This variant has not been reported in the literature in individuals with RYR1-related conditions. This variant is not present in population databases (ExAC no frequency). This sequence change creates a premature translational stop signal (p.Glu4594Glyfs*31) in the RYR1 gene. It is expected to result in an absent or disrupted protein product. Loss-of-function variants in RYR1 are known to be pathogenic (PMID: 20583297, 20839240, 23919265, 28818389).

Literature cited by the submitters: PubMed 20583297; PubMed 20839240; PubMed 23919265; PubMed 28818389.

NM_000540.3(RYR1):c.13780dup (p.Glu4594fs)

Gene: RYR1 (ryanodine receptor 1; plus strand). Cytogenetic location: 19q13.2.
Variant type: Duplication.
Coding change: c.13780dup on transcript NM_000540.3 (MANE Select); coding-DNA position 13780, one base duplicated (G; older notation c.13780dupG).
Protein change: p.Glu4594fs; shifts the reading frame from glutamic acid 4594.
Molecular consequence: frameshift variant.
Genome position (GRCh38, 1-based): chr19:38,572,052, G duplicated; the last of 2 consecutive G bases (chr19:38,572,051-38,572,052); duplicating either gives the same sequence. VCF-style (leftmost placement, unchanged base first): chr19-38572050-T-TG. GRCh37 (hg19) VCF-style: chr19-39062690-T-TG.
Other names: c.13765dup, p.Glu4589fs (NM_001042723.2); short protein forms E4589fs, E4594fs.
Identifiers: ClinVar variation 1413224 (VCV001413224.6), dbSNP rs2145869510, ClinGen allele CA2573156353.